The following is an entry in ClinVar:

ClinVar aggregate classification (germline): Uncertain significance. Review status: reviewed by expert panel (3 of 4 stars). 3 submissions from 3 submitters: Uncertain significance (1). 2 of the submissions do not count toward it. Last evaluated 2024-07-11.

Conditions:
Inborn genetic diseases. Identifiers: MedGen C0950123, MeSH D030342.
Hereditary thrombocytopenia and hematological cancer predisposition syndrome associated with RUNX1. Also called: Familial Platelet Disorder with Propensity to Acute Myelogenous Leukemia; Familial thrombocytopenia with propensity to acute myelogenous leukemia; RUNX1 Familial Platelet Disorder with Associated Myeloid Malignancies; PLATELET DISORDER, ASPIRIN-LIKE. Identifiers: Orphanet 71290, MedGen C1832388, MeSH C563324, MONDO:0100083, OMIM 601399.
Hereditary thrombocytopenia and hematologic cancer predisposition syndrome. Identifiers: Orphanet 71290, MedGen CN281654, MONDO:0011071.

Allele frequency attached by ClinVar (database versions not stated): gnomAD exomes below 0.00001; ExAC 0.00001.
gnomAD v4.1: 1 of 1,613,918 alleles (0.000062%); highest among the groups gnomAD compares: Non-Finnish European, 0.000085%; no homozygotes.

Submissions (3):

ClinGen Myeloid Malignancy Variant Curation Expert Panel
Classification: Uncertain significance for Hereditary thrombocytopenia and hematologic cancer predisposition syndrome. Last evaluated: 2024-07-11. Review status: reviewed by expert panel. Criteria: ClinGen MyeloMalig ACMG Specifications v2. Collection method: curation. Allele origin: germline. Inheritance: Autosomal dominant inheritance.
Comment: NM_001754.5(RUNX1): c.946G>C (p.Glu316Gln) is a missense variant which has a REVEL score < 0.50 (0.079) and a SpliceAI score ≤ 0.20 (0.0) (BP4). In summary, the clinical significance of this variant is uncertain. ACMG/AMP criteria applied, as specified by the Myeloid Malignancy Variant Curation Expert Panel for RUNX1: BP4.

Ambry Genetics
Classification: Uncertain significance for Inborn genetic diseases. Last evaluated: 2025-06-13. Review status: criteria provided, single submitter. Criteria: Ambry Variant Classification Scheme 2023. Collection method: clinical testing. Allele origin: germline. Not counted in ClinVar's aggregate classification.
Comment: The p.E316Q variant (also known as c.946G>C), located in coding exon 7 of the RUNX1 gene, results from a G to C substitution at nucleotide position 946. The glutamic acid at codon 316 is replaced by glutamine, an amino acid with highly similar properties. This amino acid position is conserved. In addition, this alteration is predicted to be tolerated by in silico analysis. Based on the available evidence, the clinical significance of this variant remains unclear.

Labcorp Genetics (formerly Invitae), Labcorp
Classification: Uncertain significance for Hereditary thrombocytopenia and hematological cancer predisposition syndrome associated with RUNX1. Last evaluated: 2019-08-16. Review status: criteria provided, single submitter. Criteria: Invitae Variant Classification Sherloc (09022015). Collection method: clinical testing. Allele origin: germline. Not counted in ClinVar's aggregate classification.
Comment: This variant has not been reported in the literature in individuals with RUNX1-related conditions. In summary, the available evidence is currently insufficient to determine the role of this variant in disease. Therefore, it has been classified as a Variant of Uncertain Significance. Algorithms developed to predict the effect of missense changes on protein structure and function are either unavailable or do not agree on the potential impact of this missense change (SIFT: "Deleterious"; PolyPhen-2: "Possibly Damaging"; Align-GVGD: "Class C0"). This variant is present in population databases (rs762642960, ExAC 0.001%). This sequence change replaces glutamic acid with glutamine at codon 316 of the RUNX1 protein (p.Glu316Gln). The glutamic acid residue is moderately conserved and there is a small physicochemical difference between glutamic acid and glutamine.

NM_001754.5(RUNX1):c.946G>C (p.Glu316Gln)

Gene: RUNX1 (RUNX family transcription factor 1; minus strand). Cytogenetic location: 21q22.12.
Variant type: single nucleotide variant.
Coding change: c.946G>C on transcript NM_001754.5 (MANE Select); coding-DNA position 946, G replaced by C.
Protein change: p.Glu316Gln; replaces glutamic acid 316 with glutamine.
Molecular consequence: missense variant.
Genome position (GRCh38, 1-based): chr21:34,799,322, C>G on the plus strand (G>C on the coding strand, the complement: RUNX1 is on the minus strand). VCF-style: chr21-34799322-C-G. GRCh37 (hg19) VCF-style: chr21-36171619-C-G.
Other names: NM_001754.5(RUNX1):c.946G>C; p.Glu316Gln; c.865G>C, p.Glu289Gln (NM_001001890.3); short protein forms E289Q, E316Q.
Identifiers: ClinVar variation 951606 (VCV000951606.11), dbSNP rs762642960, ClinGen allele CA10014264.